The following is an entry in ClinVar:

ClinVar aggregate classification (germline): Uncertain significance. Review status: criteria provided, multiple submitters, no conflicts (2 of 4 stars). 2 submissions from 2 submitters: Uncertain significance (2). Last evaluated 2025-09-10.

Conditions:
Kabuki syndrome 1 (KABUK1). Also called: KMT2D-Related Kabuki Syndrome. Identifiers: Orphanet 2322, MedGen CN030661, MONDO:0007843, OMIM 147920.

Submissions (2):

Genomic Medicine Center of Excellence, King Faisal Specialist Hospital and Research Centre
Classification: Uncertain significance for Kabuki syndrome 1. Last evaluated: 2025-09-10. Review status: criteria provided, single submitter. Criteria: ACMG Guidelines, 2015. Collection method: clinical testing. Allele origin: germline.

Baylor Genetics
Classification: Uncertain significance for Kabuki syndrome 1. Last evaluated: 2019-08-01. Review status: criteria provided, single submitter. Criteria: ACMG Guidelines, 2015. Collection method: clinical testing. Allele origin: unknown. Affected: yes.
Comment: This variant was determined to be of uncertain significance according to ACMG Guidelines, 2015 [PMID:25741868].

NM_003482.4(KMT2D):c.10346G>T (p.Gly3449Val)

Gene: KMT2D (lysine methyltransferase 2D; minus strand). Cytogenetic location: 12q13.12.
Variant type: single nucleotide variant.
Coding change: c.10346G>T on transcript NM_003482.4 (MANE Select); coding-DNA position 10346, G replaced by T.
Protein change: p.Gly3449Val; replaces glycine 3449 with valine.
Molecular consequence: missense variant.
Genome position (GRCh38, 1-based): chr12:49,034,821, C>A on the plus strand (G>T on the coding strand, the complement: KMT2D is on the minus strand). VCF-style: chr12-49034821-C-A. GRCh37 (hg19) VCF-style: chr12-49428604-C-A.
Other names: short protein forms G3449V.
Identifiers: ClinVar variation 1030667 (VCV001030667.2), dbSNP rs1439251946, ClinGen allele CA384729433.
Genomic context (GRCh38, chr12:49,034,821, plus strand): 5'-GGTGTGACTGGGAAAGAAAAGGGCCAACCCCATTCCAGCCCTGAGTCTTACCTGTTCATA[C>A]CAGGTGCCACCCCAATGCTGCCCTGAGCCATCACTTTCTTGATGCCTTTCAAAGCCACCA-3'
Protein context (NP_003473.3, residues 3439-3459): MAQGSIGVAP[Gly3449Val]MNRQQVSLLA